The following is an entry in ClinVar:

NM_001080414.4(CCDC88C):c.5113G>A (p.Asp1705Asn)

Gene: CCDC88C (coiled-coil and HOOK domain protein 88C; minus strand). Cytogenetic location: 14q32.11.
Variant type: single nucleotide variant.
Coding change: c.5113G>A on transcript NM_001080414.4 (MANE Select); coding-DNA position 5113, G replaced by A.
Protein change: p.Asp1705Asn; replaces aspartic acid 1705 with asparagine.
Molecular consequence: missense variant.
Genome position (GRCh38, 1-based): chr14:91,273,599, C>T on the plus strand (G>A on the coding strand, the complement: CCDC88C is on the minus strand). VCF-style: chr14-91273599-C-T. GRCh37 (hg19) VCF-style: chr14-91739943-C-T.
Other names: c.5113G>A (NM_001080414.3); short protein forms D1705N.
Identifiers: ClinVar variation 2200393 (VCV002200393.4), dbSNP rs146391250, ClinGen allele CA7308729.
Genomic context (GRCh38, chr14:91,273,599, plus strand): 5'-GCATCTTGGCCCCTTCTTTCTTGGCAGGTGGTCCTGGTTGGCCTCCGATGGCTGGGGGAT[C>T]GCTGGCCTTTCGGAAGTAGTCACTCAGCAGGTCATCCCGGCAACTGGGAGTGTCCTACGG-3'
Protein context (NP_001073883.2, residues 1695-1715): LLSDYFRKAS[Asp1705Asn]PPAIGGQPGP

ClinVar aggregate classification (germline): Uncertain significance. Review status: criteria provided, multiple submitters, no conflicts (2 of 4 stars). 2 submissions from 2 submitters: Uncertain significance (2). Last evaluated 2025-06-22.

Conditions:
Inborn genetic diseases. Identifiers: MedGen C0950123, MeSH D030342.

Allele frequency attached by ClinVar (database versions not stated): gnomAD exomes 0.00012; ExAC 0.00013; gnomAD 0.00013; 1000 Genomes Project 30x 0.00016; 1000 Genomes Project 0.00020; TOPMed 0.00022; ESP Exome Variant Server 0.00032.
gnomAD v4.1: 187 of 1,491,396 alleles (0.013%); highest among the groups gnomAD compares: Admixed American, 0.05%; no homozygotes.

Submissions (2):

Ambry Genetics
Classification: Uncertain significance for Inborn genetic diseases. Last evaluated: 2025-06-22. Review status: criteria provided, single submitter. Criteria: Ambry Variant Classification Scheme 2023. Collection method: clinical testing. Allele origin: germline.

Labcorp Genetics (formerly Invitae), Labcorp
Classification: Uncertain significance. Last evaluated: 2025-01-13. Review status: criteria provided, single submitter. Criteria: Invitae Variant Classification Sherloc (09022015). Collection method: clinical testing. Allele origin: germline.
Comment: This sequence change replaces aspartic acid, which is acidic and polar, with asparagine, which is neutral and polar, at codon 1705 of the CCDC88C protein (p.Asp1705Asn). This variant is present in population databases (rs146391250, gnomAD 0.06%). This variant has not been reported in the literature in individuals affected with CCDC88C-related conditions. ClinVar contains an entry for this variant (Variation ID: 2200393). An algorithm developed to predict the effect of missense changes on protein structure and function outputs the following: PolyPhen-2: "Benign". The asparagine amino acid residue is found in multiple mammalian species, which suggests that this missense change does not adversely affect protein function. In summary, the available evidence is currently insufficient to determine the role of this variant in disease. Therefore, it has been classified as a Variant of Uncertain Significance.